The following is an entry in ClinVar:

ClinVar aggregate classification (germline): Likely benign (1 of 4 stars; one submission).

Conditions:
Pseudohypoaldosteronism, type IB1, autosomal recessive. Also called: Pseudohypoaldosteronism, Type I, Autosomal Recessive; PHA I, AUTOSOMAL RECESSIVE; Pseudohypoaldosteronism, Type I, Recessive; Autosomal recessive pseudohypoaldosteronism type 1. Identifiers: Orphanet 171876, Orphanet 756, MedGen C5774176, MONDO:0009917, OMIM 264350.

Allele frequency attached by ClinVar (database versions not stated): 1000 Genomes Project 30x 0.00047; gnomAD 0.00050 and 0.00051; TOPMed 0.00050; 1000 Genomes Project 0.00060.

Submission:

Illumina Laboratory Services, Illumina
Classification: Likely benign for Pseudohypoaldosteronism, type IB1, autosomal recessive. Last evaluated: 2017-04-27. Review status: criteria provided, single submitter. Criteria: ICSL Variant Classification Criteria 13 December 2019. Collection method: clinical testing. Allele origin: germline.
Comment: This variant was observed as part of a predisposition screen in an ostensibly healthy population. A literature search was performed for the gene, cDNA change, and amino acid change (where applicable). No publications were found based on this search. Allele frequency data from public databases allowed determination this variant is unlikely to cause disease. Therefore, this variant is classified as likely benign.

NM_001038.6(SCNN1A):c.*850C>T

Gene: SCNN1A (sodium channel epithelial 1 subunit alpha; minus strand). Cytogenetic location: 12p13.31.
Variant type: single nucleotide variant.
Coding change: c.*850C>T on transcript NM_001038.6 (MANE Select); 850 bases downstream of the stop codon, C replaced by T.
Molecular consequence: 3 prime UTR variant.
Genome position (GRCh38, 1-based): chr12:6,347,023, G>A on the plus strand (C>T on the coding strand, the complement: SCNN1A is on the minus strand). VCF-style: chr12-6347023-G-A. GRCh37 (hg19) VCF-style: chr12-6456189-G-A.
Other names: c.*850C>T (NM_001159575.2, NM_001159576.2).
Identifiers: ClinVar variation 310120 (VCV000310120.5), dbSNP rs62627411, ClinGen allele CA10633447.